The following is an entry in ClinVar:

NM_000398.7(CYB5R3):c.757G>A (p.Val253Met)

Gene: CYB5R3 (cytochrome b5 reductase 3; minus strand). Cytogenetic location: 22q13.2.
Variant type: single nucleotide variant.
Coding change: c.757G>A on transcript NM_000398.7 (MANE Select); coding-DNA position 757, G replaced by A.
Protein change: p.Val253Met; replaces valine 253 with methionine.
Molecular consequence: missense variant.
Genome position (GRCh38, 1-based): chr22:42,619,922, C>T on the plus strand (G>A on the coding strand, the complement: CYB5R3 is on the minus strand). VCF-style: chr22-42619922-C-T. GRCh37 (hg19) VCF-style: chr22-43015928-C-T.
Other names: c.856G>A (NM_001171660.1); c.688G>A, p.Val230Met (NM_001129819.2, NM_001171661.1, NM_007326.4); c.856G>A, p.Val286Met (NM_001171660.2); short protein forms V253M, V286M, V230M.
Identifiers: ClinVar variation 505719 (VCV000505719.50), dbSNP rs144071404, ClinGen allele CA10269583.
Genomic context (GRCh38, chr22:42,619,922, plus strand): 5'-TCAGCACCAGCGGCTCCTCCTCTGGGGGTGGAAGGTGGTCCCGGATCATCTCCTCATTCA[C>T]GAAGCCCTGGCCGTAGTCCCAGGCTGTGGGGTGAGAGACCAGGTAAGCTGACGTGTGGCT-3'
Protein context (NP_000389.1, residues 243-263): PEAWDYGQGF[Val253Met]NEEMIRDHLP

ClinVar aggregate classification (germline): Pathogenic/Likely pathogenic. Review status: criteria provided, multiple submitters, no conflicts (2 of 4 stars). 11 submissions from 11 submitters: Pathogenic (10); Likely pathogenic (1). Last evaluated 2026-02-02.

Conditions:
Central core myopathy (CMYO1A). Also called: CONGENITAL MYOPATHY 1A, AUTOSOMAL DOMINANT, WITH SUSCEPTIBILITY TO MALIGNANT HYPERTHERMIA; Central core disease; Myopathy, central fibrillar. Identifiers: Orphanet 597, MedGen C5830701, MONDO:0007294, OMIM 117000.
Deficiency of cytochrome-b5 reductase. Also called: METHEMOGLOBINEMIA, CONGENITAL, AUTOSOMAL RECESSIVE; NADH-DEPENDENT METHEMOGLOBIN REDUCTASE DEFICIENCY. Identifiers: Orphanet 621, MedGen C0268193, MONDO:0009606, OMIM 250800.
CYB5R3-related disorders.
Hereditary methemoglobinemia. Identifiers: Orphanet 621, MedGen C0272087, MONDO:0018963.

Allele frequency attached by ClinVar (database versions not stated): gnomAD 0.00006; gnomAD exomes 0.00006 and 0.00010; TOPMed 0.00007; ESP Exome Variant Server 0.00015; ExAC 0.00019.
gnomAD v4.1: 101 of 1,605,364 alleles (0.0063%); highest among the groups gnomAD compares: Middle Eastern, 0.033%; 1 homozygote.

Submissions (11):

Labcorp Genetics (formerly Invitae), Labcorp
Classification: Pathogenic. Last evaluated: 2026-02-02. Review status: criteria provided, single submitter. Criteria: Invitae Variant Classification Sherloc (09022015). Collection method: clinical testing. Allele origin: germline.
Comment: This sequence change replaces valine, which is neutral and non-polar, with methionine, which is neutral and non-polar, at codon 253 of the CYB5R3 protein (p.Val253Met). This variant is present in population databases (rs144071404, gnomAD 0.01%). This missense change has been observed in individuals with methemoglobinemia (PMID: 11159544, 11295830, 12756024, 16310381, 21349748). It has also been observed to segregate with disease in related individuals. This variant is also known as V252M. ClinVar contains an entry for this variant (Variation ID: 505719). Invitae Evidence Modeling of protein sequence and biophysical properties (such as structural, functional, and spatial information, amino acid conservation, physicochemical variation, residue mobility, and thermodynamic stability) has been performed for this missense variant. However, the output from this modeling did not meet the statistical confidence thresholds required to predict the impact of this variant on CYB5R3 protein function. Experimental studies have shown that this missense change affects CYB5R3 function (PMID: 16310381). For these reasons, this variant has been classified as Pathogenic.

CeGaT Center for Human Genetics Tuebingen
Classification: Pathogenic. Last evaluated: 2025-08-01. Review status: criteria provided, single submitter. Criteria: CeGaT Center For Human Genetics Tuebingen Variant Classification Criteria Version 2. Collection method: clinical testing. Allele origin: germline. Affected: yes. Observed: 4 variant alleles.
Comment: CYB5R3: PM3:Strong, PP1:Strong, PM2, PS3:Supporting

Genomic Medicine Center of Excellence, King Faisal Specialist Hospital and Research Centre
Classification: Pathogenic for Central core myopathy. Last evaluated: 2024-12-18. Review status: criteria provided, single submitter. Criteria: ACMG Guidelines, 2015. Collection method: clinical testing. Allele origin: germline.

Blueprint Genetics
Classification: Pathogenic for CYB5R3-related disorders. Last evaluated: 2024-11-14. Review status: criteria provided, single submitter. Criteria: ACMG Guidelines, 2015. Collection method: clinical testing. Allele origin: germline. Affected: yes. Observed: 5 variant alleles.

Revvity Omics, Revvity
Classification: Pathogenic for Deficiency of cytochrome-b5 reductase. Last evaluated: 2024-11-05. Review status: criteria provided, single submitter. Criteria: ACMG Guidelines, 2015. Collection method: clinical testing. Allele origin: germline.

Women's Health and Genetics/Laboratory Corporation of America, LabCorp
Classification: Pathogenic for Deficiency of cytochrome-b5 reductase. Last evaluated: 2024-05-17. Review status: criteria provided, single submitter. Criteria: LabCorp Variant Classification Summary - May 2015. Collection method: clinical testing. Allele origin: germline.
Comment: Variant summary: CYB5R3 c.757G>A (p.Val253Met) results in a conservative amino acid change located in the Oxidoreductase NAD-binding domain of the encoded protein sequence. Three of five in-silico tools predict a damaging effect of the variant on protein function. The variant allele was found at a frequency of 0.0001 in 232778 control chromosomes. c.757G>A has been reported in the literature in multiple individuals affected with Deficiency Of Cytochrome-B5 Reductase. These data indicate that the variant is very likely to be associated with disease. Two patients who were homozygotes for the c.757G>A mutation showed almost no metHb reductase activity. ClinVar contains an entry for this variant (Variation ID: 505719). Based on the evidence outlined above, the variant was classified as pathogenic.

GeneDx
Classification: Pathogenic. Last evaluated: 2022-03-30. Review status: criteria provided, single submitter. Criteria: GeneDx Variant Classification Process June 2021. Collection method: clinical testing. Allele origin: germline. Affected: yes.
Comment: Published functional studies demonstrate a damaging effect: decreased catalytic efficiency and reduced protein stability (PMID: 16310381); In silico analysis supports that this missense variant has a deleterious effect on protein structure/function; This variant is associated with the following publications: (PMID: 11159544, 21349748, 34426522, 30609409, 11295830, 16310381, 12756024, 24266649)

Fulgent Genetics
Classification: Pathogenic for Deficiency of cytochrome-b5 reductase. Last evaluated: 2021-07-09. Review status: criteria provided, single submitter. Criteria: ACMG Guidelines, 2015. Collection method: clinical testing. Allele origin: unknown.

ARUP Laboratories, Molecular Genetics and Genomics, ARUP Laboratories
Classification: Pathogenic. Last evaluated: 2021-03-18. Review status: criteria provided, single submitter. Criteria: ARUP Molecular Germline Variant Investigation Process 2021. Collection method: clinical testing. Allele origin: germline.

Laboratory for Molecular Medicine, Mass General Brigham Personalized Medicine
Classification: Pathogenic for Hereditary methemoglobinemia. Last evaluated: 2020-03-30. Review status: criteria provided, single submitter. Criteria: LMM Criteria. Collection method: clinical testing. Allele origin: germline. Inheritance: Autosomal recessive inheritance. Observed: 1 variant allele.
Comment: proposed classification - variant undergoing re-assessment, contact laboratory

Institute of Human Genetics, University Hospital of Duesseldorf
Classification: Likely pathogenic for Deficiency of cytochrome-b5 reductase. Review status: criteria provided, single submitter. Criteria: ACMG Guidelines, 2015. Collection method: not provided. Allele origin: germline. Inheritance: Autosomal recessive inheritance. Affected: yes.

Literature cited by the submitters: PubMed 11159544 (cited by 3 submitters); PubMed 11295830 (cited by 3 submitters); PubMed 12756024 (cited by Labcorp Genetics (formerly Invitae), Labcorp and Laboratory for Molecular Medicine, Mass General Brigham Personalized Medicine); PubMed 16310381 (cited by Labcorp Genetics (formerly Invitae), Labcorp and Laboratory for Molecular Medicine, Mass General Brigham Personalized Medicine); PubMed 21349748 (cited by Labcorp Genetics (formerly Invitae), Labcorp and Laboratory for Molecular Medicine, Mass General Brigham Personalized Medicine).